The following is an entry in ClinVar:

ClinVar aggregate classification (germline): Conflicting classifications of pathogenicity. Review status: criteria provided, conflicting classifications (1 of 4 stars). 7 submissions from 7 submitters: Uncertain significance (1); Benign (1); Likely benign (4). 1 of the submissions does not count toward it. Last evaluated 2026-01-12.

Conditions:
SMC3-related disorder. Also called: SMC3-related condition.
Inborn genetic diseases. Identifiers: MedGen C0950123, MeSH D030342.
Cornelia de Lange syndrome 3 (CDLS3). Also called: SMC3-Related Cornelia de Lange Syndrome; CORNELIA DE LANGE SYNDROME 3 WITH OR WITHOUT MIDLINE BRAIN DEFECTS. Identifiers: Orphanet 199, MedGen C1853099, MONDO:0012555, OMIM 610759.

Allele frequency attached by ClinVar (database versions not stated): 1000 Genomes Project 30x 0.00016; 1000 Genomes Project 0.00020; TOPMed 0.00025; ESP Exome Variant Server 0.00031; gnomAD exomes 0.00036 and 0.00056; gnomAD 0.00054 and 0.00057; ExAC 0.00061.
gnomAD v4.1: 611 of 1,613,464 alleles (0.038%); highest among the groups gnomAD compares: Admixed American, 0.047%; no homozygotes.

Submissions (7):

Labcorp Genetics (formerly Invitae), Labcorp
Classification: Benign for Cornelia de Lange syndrome 3. Last evaluated: 2026-01-12. Review status: criteria provided, single submitter. Criteria: Invitae Variant Classification Sherloc (09022015). Collection method: clinical testing. Allele origin: germline.

Laboratory of Genetics, Children's Clinical University Hospital Latvia
Classification: Likely benign. Last evaluated: 2025-02-16. Review status: criteria provided, single submitter. Criteria: ACMG Guidelines, 2015. Collection method: clinical testing. Allele origin: germline. Affected: yes.

Blueprint Genetics
Classification: Likely benign. Last evaluated: 2024-09-17. Review status: criteria provided, single submitter. Criteria: ACMG Guidelines, 2015. Collection method: clinical testing. Allele origin: germline.

Illumina Laboratory Services, Illumina
Classification: Likely benign for Cornelia de Lange syndrome 3. Last evaluated: 2018-01-12. Review status: criteria provided, single submitter. Criteria: ICSL Variant Classification Criteria 13 December 2019. Collection method: clinical testing. Allele origin: germline.
Comment: This variant was observed in the ICSL laboratory as part of a predisposition screen in an ostensibly healthy population. It had not been previously curated by ICSL or reported in the Human Gene Mutation Database (HGMD: prior to June 1st, 2018), and was therefore a candidate for classification through an automated scoring system. Utilizing variant allele frequency, disease prevalence and penetrance estimates, and inheritance mode, an automated score was calculated to assess if this variant is too frequent to cause the disease. Based on the score and internal cut-off values, a variant classified as likely benign is not then subjected to further curation. The score for this variant resulted in a classification of likely benign for this disease.

Ambry Genetics
Classification: Likely benign for Inborn genetic diseases. Last evaluated: 2016-12-01. Review status: criteria provided, single submitter. Criteria: Ambry Variant Classification Scheme 2023. Collection method: clinical testing. Allele origin: germline.

Genetic Services Laboratory, University of Chicago
Classification: Uncertain significance for Cornelia de Lange syndrome 3. Last evaluated: 2013-10-08. Review status: criteria provided, single submitter. Criteria: ACMG Guidelines, 2007. Collection method: clinical testing. Allele origin: germline. Inheritance: Autosomal dominant inheritance.

PreventionGenetics, part of Exact Sciences
Classification: Likely benign for SMC3-related condition. Last evaluated: 2020-12-15. Review status: no assertion criteria provided. Collection method: clinical testing. Allele origin: germline. Not counted in ClinVar's aggregate classification.
Comment: This variant is classified as likely benign based on ACMG/AMP sequence variant interpretation guidelines (Richards et al. 2015 PMID: 25741868, with internal and published modifications).

NM_005445.4(SMC3):c.1280A>G (p.Lys427Arg)

Gene: SMC3 (structural maintenance of chromosomes 3; plus strand). Cytogenetic location: 10q25.2.
Variant type: single nucleotide variant.
Coding change: c.1280A>G on transcript NM_005445.4 (MANE Select); coding-DNA position 1280, A replaced by G.
Protein change: p.Lys427Arg; replaces lysine 427 with arginine.
Molecular consequence: missense variant.
Genome position (GRCh38, 1-based): chr10:110,584,371, A>G. VCF-style: chr10-110584371-A-G. GRCh37 (hg19) VCF-style: chr10-112344129-A-G.
Other names: short protein forms K427R.
Identifiers: ClinVar variation 159966 (VCV000159966.26), dbSNP rs142524280, ClinGen allele CA272599.